The following is an entry in ClinVar:

ClinVar aggregate classification (germline): Uncertain significance (1 of 4 stars; one submission).

Conditions:
Acute myeloid leukemia (AML). Also called: Acute myeloid leukemia, adult; AML adult; Acute non-lymphocytic leukemia; Acute granulocytic leukemia; Leukemia, acute myeloid, somatic; Leukemia, acute myelogenous, somatic. Identifiers: Orphanet 519, MedGen C0023467, MeSH D015470, MONDO:0018874, OMIM 601626, HP:0004808. Disease mechanism: Constitutively activated FLT3.

Submission:

Labcorp Genetics (formerly Invitae), Labcorp
Classification: Uncertain significance for Acute myeloid leukemia. Last evaluated: 2022-06-04. Review status: criteria provided, single submitter. Criteria: Invitae Variant Classification Sherloc (09022015). Collection method: clinical testing. Allele origin: germline.
Comment: This variant is not present in population databases (gnomAD no frequency). This sequence change replaces leucine, which is neutral and non-polar, with glutamine, which is neutral and polar, at codon 78 of the CEBPA protein (p.Leu78Gln). This variant has not been reported in the literature in individuals affected with CEBPA-related conditions. In summary, the available evidence is currently insufficient to determine the role of this variant in disease. Therefore, it has been classified as a Variant of Uncertain Significance. Algorithms developed to predict the effect of missense changes on protein structure and function are either unavailable or do not agree on the potential impact of this missense change (SIFT: "Deleterious"; PolyPhen-2: "Probably Damaging"; Align-GVGD: "Class C0"). ClinVar contains an entry for this variant (Variation ID: 835248).

NM_004364.5(CEBPA):c.233T>A (p.Leu78Gln)

Gene: CEBPA (CCAAT enhancer binding protein alpha; minus strand). Cytogenetic location: 19q13.11.
Variant type: single nucleotide variant.
Coding change: c.233T>A on transcript NM_004364.5 (MANE Select); coding-DNA position 233, T replaced by A.
Protein change: p.Leu78Gln; replaces leucine 78 with glutamine.
Molecular consequence: missense variant. On other transcripts: 5 prime UTR variant (1).
Genome position (GRCh38, 1-based): chr19:33,302,182, A>T on the plus strand (T>A on the coding strand, the complement: CEBPA is on the minus strand). VCF-style: chr19-33302182-A-T. GRCh37 (hg19) VCF-style: chr19-33793088-A-T.
Other names: c.-125T>A (NM_001285829.2); c.338T>A, p.Leu113Gln (NM_001287424.2); c.191T>A, p.Leu64Gln (NM_001287435.2); short protein forms L64Q, L113Q, L78Q.
Identifiers: ClinVar variation 835248 (VCV000835248.10), dbSNP rs1967193304, ClinGen allele CA405275385.
Genomic context (GRCh38, chr19:33,302,182, plus strand): 5'-GTGGGGCCCACGGCCGCCTTGGCCTTCTCCTGCTGCCGGCTGTGCTGGAACAGGTCGGCC[A>T]GGAACTCGTCGTTGAAGGCGGCCGGGTCGATGTAGGCGCTGATGTCGATGGACGTCTCGT-3'
Protein context (NP_004355.2, residues 68-88): IDPAAFNDEF[Leu78Gln]ADLFQHSRQQ